The following is an entry in ClinVar:

ClinVar aggregate classification (germline): Pathogenic/Likely pathogenic. Review status: criteria provided, multiple submitters, no conflicts (2 of 4 stars). 4 submissions from 4 submitters: Pathogenic (1); Likely pathogenic (2). 1 of the submissions does not count toward it. Last evaluated 2024-11-24.

Conditions:
Hereditary cancer-predisposing syndrome. Also called: Tumor predisposition; Hereditary neoplastic syndrome; Neoplastic Syndromes, Hereditary; Hereditary Cancer Syndrome. Identifiers: Orphanet 140162, MedGen C0027672, MeSH D009386, MONDO:0015356.
Hereditary breast ovarian cancer syndrome. Also called: Hereditary breast and ovarian cancer; BRCA1- and BRCA2-Associated Hereditary Breast and Ovarian Cancer; Hereditary breast and/or ovarian cancer syndrome; Hereditary breast and ovarian cancer syndrome; Hereditary breast and ovarian cancer syndrome (HBOC); Breast and ovarian cancer. Identifiers: Orphanet 145, MedGen C0677776, MeSH D061325, MONDO:0003582. Disease mechanism: loss of function.
Familial cancer of breast. Also called: hereditary breast carcinoma; Hereditary breast cancer; BREAST CANCER, FAMILIAL. Identifiers: Orphanet 227535, MedGen C0346153, MONDO:0016419, OMIM 114480. Disease mechanism: loss of function.
Ataxia-telangiectasia syndrome (AT). Also called: Ataxia-telangiectasia, complementation group E; AT, COMPLEMENTATION GROUP C; ATAXIA-TELANGIECTASIA, COMPLEMENTATION GROUP A; ATAXIA-TELANGIECTASIA, FRESNO VARIANT; Ataxia-telangiectasia; LOUIS-BAR SYNDROME. Identifiers: Orphanet 100, MedGen C0004135, MONDO:0008840, OMIM 208900.

Allele frequency attached by ClinVar (database versions not stated): gnomAD exomes below 0.00001.
gnomAD v4.1: 3 of 1,602,054 alleles (0.00019%); highest among the groups gnomAD compares: Non-Finnish European, 0.00026%; no homozygotes.

Submissions (4):

Labcorp Genetics (formerly Invitae), Labcorp
Classification: Pathogenic for Ataxia-telangiectasia syndrome. Last evaluated: 2024-11-24. Review status: criteria provided, single submitter. Criteria: Invitae Variant Classification Sherloc (09022015). Collection method: clinical testing. Allele origin: germline.
Comment: This sequence change affects an acceptor splice site in intron 25 of the ATM gene. It is expected to disrupt RNA splicing. Variants that disrupt the donor or acceptor splice site typically lead to a loss of protein function (PMID: 16199547), and loss-of-function variants in ATM are known to be pathogenic (PMID: 23807571, 25614872). This variant is not present in population databases (gnomAD no frequency). Disruption of this splice site has been observed in individual(s) with a personal or family history of breast and/or ovarian cancer and/or ataxia-telangiectasia (PMID: 21665257, 22213089, 27067391). ClinVar contains an entry for this variant (Variation ID: 221913). Algorithms developed to predict the effect of sequence changes on RNA splicing suggest that this variant may disrupt the consensus splice site. For these reasons, this variant has been classified as Pathogenic.

Myriad Genetics, Inc.
Classification: Likely pathogenic for Familial cancer of breast. Last evaluated: 2024-01-22. Review status: criteria provided, single submitter. Criteria: Myriad Autosomal Dominant, Autosomal Recessive and X-Linked Classification Criteria (2023). Collection method: clinical testing. Allele origin: unknown.
Comment: This variant is considered likely pathogenic. This variant occurs within a consensus splice junction and is predicted to result in abnormal mRNA splicing of either an out-of-frame exon or an in-frame exon necessary for protein stability and/or normal function.

Ambry Genetics
Classification: Likely pathogenic for Hereditary cancer-predisposing syndrome. Last evaluated: 2022-01-18. Review status: criteria provided, single submitter. Criteria: Ambry Variant Classification Scheme 2023. Collection method: clinical testing. Allele origin: germline.
Comment: The c.3747-1G>A intronic variant results from a G to A substitution one nucleotide upstream from coding exon 25 of the ATM gene. This nucleotide position is highly conserved in available vertebrate species. In silico splice site analysis predicts that this alteration will weaken the native splice acceptor site and will result in the creation or strengthening of a novel splice acceptor site. RNA studies have demonstrated that this alteration results in abnormal splicing in the set of samples tested (Ambry internal data). This variant is considered to be rare based on population cohorts in the Genome Aggregation Database (gnomAD). Based on the majority of available evidence to date, this variant is likely to be pathogenic.

Dr. Peter K. Rogan Lab, Western University
Classification: Likely pathogenic for Hereditary breast ovarian cancer syndrome. Last evaluated: 2015-02-05. Review status: no assertion criteria provided. Collection method: research. Allele origin: unknown. Affected: yes. Observed: 1 variant allele. Study: Mucaki_2016. Not counted in ClinVar's aggregate classification.

Literature cited by the submitters: PubMed 16199547 (cited by Labcorp Genetics (formerly Invitae), Labcorp); PubMed 23807571 (cited by Labcorp Genetics (formerly Invitae), Labcorp); PubMed 25614872 (cited by Labcorp Genetics (formerly Invitae), Labcorp); PubMed 21665257 (cited by Labcorp Genetics (formerly Invitae), Labcorp); PubMed 22213089 (cited by Labcorp Genetics (formerly Invitae), Labcorp); PubMed 27067391 (cited by Labcorp Genetics (formerly Invitae), Labcorp and Dr. Peter K. Rogan Lab, Western University).

NM_000051.4(ATM):c.3747-1G>A

Gene: ATM (ATM serine/threonine kinase; plus strand). Cytogenetic location: 11q22.3.
Variant type: single nucleotide variant.
Coding change: c.3747-1G>A on transcript NM_000051.4 (MANE Select); the canonical splice acceptor site of the intron before coding-DNA position 3747, G replaced by A.
Molecular consequence: splice acceptor variant.
Genome position (GRCh38, 1-based): chr11:108,284,226, G>A. VCF-style: chr11-108284226-G-A. GRCh37 (hg19) VCF-style: chr11-108154953-G-A.
Other names: c.3747-1G>A (NM_001351834.2).
Identifiers: ClinVar variation 221913 (VCV000221913.6), dbSNP rs730881364, ClinGen allele CA16044129.
Genomic context (GRCh38, chr11:108,284,226, plus strand): 5'-TTATAAAATTTTACTTGGAAAAGTTATATATAACCTGTATTTTAAATTTTTCTATTTTTA[G>A]ATCTTGTTATAAGGTTTTGATTCCACATCTGGTGATTAGAAGTCATTTTGATGAGGTGAA-3'